The following is an entry in ClinVar:

ClinVar aggregate classification (germline): Likely benign. Review status: criteria provided, multiple submitters, no conflicts (2 of 4 stars). 2 submissions from 2 submitters: Likely benign (2). Last evaluated 2025-08-01.

Conditions:
Familial sleep-related hypermotor epilepsy. Also called: Autosomal Dominant Sleep-Related Hypermotor (Hyperkinetic) Epilepsy. Identifiers: Orphanet 98784, MedGen C3696898, MONDO:0000030.

Allele frequency attached by ClinVar (database versions not stated): ExAC 0.00001; gnomAD 0.00001; gnomAD exomes below 0.00001; TOPMed 0.00001.
gnomAD v4.1: 2 of 1,613,616 alleles (0.00012%); highest among the groups gnomAD compares: African/African-American, 0.0027%; no homozygotes.

Submissions (2):

Labcorp Genetics (formerly Invitae), Labcorp
Classification: Likely benign. Last evaluated: 2025-08-01. Review status: criteria provided, single submitter. Criteria: Invitae Variant Classification Sherloc (09022015). Collection method: clinical testing. Allele origin: germline.

GeneDx
Classification: Likely benign. Last evaluated: 2018-05-25. Review status: criteria provided, single submitter. Criteria: GeneDx Variant Classification (06012015). Collection method: clinical testing. Allele origin: germline. Affected: yes.
Comment: This variant is considered likely benign or benign based on one or more of the following criteria: it is a conservative change, it occurs at a poorly conserved position in the protein, it is predicted to be benign by multiple in silico algorithms, and/or has population frequency not consistent with disease.

NM_000748.3(CHRNB2):c.75T>C (p.Gly25=)

Gene: CHRNB2 (cholinergic receptor nicotinic beta 2 subunit; plus strand). Cytogenetic location: 1q21.3.
Variant type: single nucleotide variant.
Coding change: c.75T>C on transcript NM_000748.3 (MANE Select); coding-DNA position 75, T replaced by C.
Protein change: p.Gly25=; no amino-acid change (glycine 25 retained).
Molecular consequence: synonymous variant.
Genome position (GRCh38, 1-based): chr1:154,569,472, T>C. VCF-style: chr1-154569472-T-C. GRCh37 (hg19) VCF-style: chr1-154541948-T-C.
Identifiers: ClinVar variation 669051 (VCV000669051.4), dbSNP rs764498388, ClinGen allele CA1130620.